The following is an entry in ClinVar:

NM_152384.3(BBS5):c.133G>A (p.Gly45Arg)

Gene: BBS5 (Bardet-Biedl syndrome 5; plus strand). Cytogenetic location: 2q31.1.
Variant type: single nucleotide variant.
Coding change: c.133G>A on transcript NM_152384.3 (MANE Select); coding-DNA position 133, G replaced by A.
Protein change: p.Gly45Arg; replaces glycine 45 with arginine.
Molecular consequence: missense variant.
Genome position (GRCh38, 1-based): chr2:169,482,324, G>A. VCF-style: chr2-169482324-G-A. GRCh37 (hg19) VCF-style: chr2-170338834-G-A.
Other names: c.133G>A (NM_152384.2); short protein forms G45R.
Identifiers: ClinVar variation 1023055 (VCV001023055.8), dbSNP rs1244934291, ClinGen allele CA349160056.
Genomic context (GRCh38, chr2:169,482,324, plus strand): 5'-AGACCTGGAGAAGTCCTTATTGATTGTTTAGATTCCATTGAAGACACCAAAGGAAATAAT[G>A]GAGATAGAGGTGAGTATATTTTTAAATGTATCTTATATTCCTGGTTTAATTTACAAATGT-3'
Protein context (NP_689597.1, residues 35-55): DSIEDTKGNN[Gly45Arg]DRGRLLVTNL

ClinVar aggregate classification (germline): Uncertain significance. Review status: criteria provided, multiple submitters, no conflicts (2 of 4 stars). 2 submissions from 2 submitters: Uncertain significance (2). Last evaluated 2025-12-16.

Conditions:
Inborn genetic diseases. Identifiers: MedGen C0950123, MeSH D030342.
Bardet-Biedl syndrome (BBS). Identifiers: Orphanet 110, MedGen C0752166, MONDO:0015229.

Allele frequency attached by ClinVar (database versions not stated): gnomAD exomes below 0.00001 and 0.00001.

Submissions (2):

Ambry Genetics
Classification: Uncertain significance for Inborn genetic diseases. Last evaluated: 2025-12-16. Review status: criteria provided, single submitter. Criteria: Ambry Variant Classification Scheme 2023. Collection method: clinical testing. Allele origin: germline.
Comment: The c.133G>A (p.G45R) alteration is located in exon 2 (coding exon 2) of the BBS5 gene. This alteration results from a G to A substitution at nucleotide position 133, causing the glycine (G) at amino acid position 45 to be replaced by an arginine (R). Based on data from gnomAD, the A allele has an overall frequency of 0.001% (2/251160) total alleles studied. The highest observed frequency was 0.006% (2/34570) of Latino alleles. Based on insufficient or conflicting evidence, the clinical significance of this alteration remains unclear.

Labcorp Genetics (formerly Invitae), Labcorp
Classification: Uncertain significance for Bardet-Biedl syndrome. Last evaluated: 2025-08-22. Review status: criteria provided, single submitter. Criteria: Invitae Variant Classification Sherloc (09022015). Collection method: clinical testing. Allele origin: germline.
Comment: This sequence change replaces glycine, which is neutral and non-polar, with arginine, which is basic and polar, at codon 45 of the BBS5 protein (p.Gly45Arg). This variant is present in population databases (no rsID available, gnomAD 0.003%). This variant has not been reported in the literature in individuals affected with BBS5-related conditions. ClinVar contains an entry for this variant (Variation ID: 1023055). Invitae Evidence Modeling of protein sequence and biophysical properties (such as structural, functional, and spatial information, amino acid conservation, physicochemical variation, residue mobility, and thermodynamic stability) indicates that this missense variant is expected to disrupt BBS5 protein function with a positive predictive value of 80%. In summary, the available evidence is currently insufficient to determine the role of this variant in disease. Therefore, it has been classified as a Variant of Uncertain Significance.